The following is an entry in ClinVar:

ClinVar aggregate classification (germline): Uncertain significance. Review status: criteria provided, multiple submitters, no conflicts (2 of 4 stars). 3 submissions from 3 submitters: Uncertain significance (3). Last evaluated 2022-10-13.

Conditions:
Cerebrooculofacioskeletal syndrome 2 (COFS2). Identifiers: MedGen C1853102, MONDO:0012553, OMIM 610756.
Xeroderma pigmentosum, group D (XPD). Also called: ERCC2-Related Xeroderma Pigmentosum; XERODERMA PIGMENTOSUM IV; XP, GROUP D; XP, GROUP H; XERODERMA PIGMENTOSUM, COMPLEMENTATION GROUP D. Identifiers: MedGen C0268138, MONDO:0010212, OMIM 278730.
Trichothiodystrophy 1, photosensitive (TTD1). Also called: TAY SYNDROME; TRICHOTHIODYSTROPHY WITH CONGENITAL ICHTHYOSIS; PIBIDS SYNDROME. Identifiers: Orphanet 33364, MedGen C1866504, MONDO:0011125, OMIM 601675.

Allele frequency attached by ClinVar (database versions not stated): gnomAD exomes 0.00002 and 0.00009; ExAC 0.00003; gnomAD 0.00003 and 0.00004; TOPMed 0.00005; ESP Exome Variant Server 0.00015.
gnomAD v4.1: 135 of 1,613,948 alleles (0.0084%); highest among the groups gnomAD compares: Non-Finnish European, 0.011%; no homozygotes.

Submissions (3):

Labcorp Genetics (formerly Invitae), Labcorp
Classification: Uncertain significance. Last evaluated: 2022-10-13. Review status: criteria provided, single submitter. Criteria: Invitae Variant Classification Sherloc (09022015). Collection method: clinical testing. Allele origin: germline.
Comment: This sequence change replaces glutamic acid, which is acidic and polar, with glutamine, which is neutral and polar, at codon 167 of the ERCC2 protein (p.Glu167Gln). This variant is present in population databases (rs367829012, gnomAD 0.005%). This variant has not been reported in the literature in individuals affected with ERCC2-related conditions. ClinVar contains an entry for this variant (Variation ID: 1320637). Advanced modeling of protein sequence and biophysical properties (such as structural, functional, and spatial information, amino acid conservation, physicochemical variation, residue mobility, and thermodynamic stability) performed at Invitae indicates that this missense variant is not expected to disrupt ERCC2 protein function. In summary, the available evidence is currently insufficient to determine the role of this variant in disease. Therefore, it has been classified as a Variant of Uncertain Significance.

Fulgent Genetics
Classification: Uncertain significance for Xeroderma pigmentosum, group D; Trichothiodystrophy 1, photosensitive; Cerebrooculofacioskeletal syndrome 2. Last evaluated: 2022-04-16. Review status: criteria provided, single submitter. Criteria: ACMG Guidelines, 2015. Collection method: clinical testing. Allele origin: unknown.

GeneDx
Classification: Uncertain significance. Last evaluated: 2021-05-05. Review status: criteria provided, single submitter. Criteria: GeneDx Variant Classification Process June 2021. Collection method: clinical testing. Allele origin: germline. Affected: yes.
Comment: In silico analysis supports that this missense variant does not alter protein structure/function; Observed in individuals with breast cancer (Rump 2016); This variant is associated with the following publications: (PMID: 27504877)

NM_000400.4(ERCC2):c.499G>C (p.Glu167Gln)

Gene: ERCC2 (ERCC excision repair 2, TFIIH core complex helicase subunit; minus strand). Cytogenetic location: 19q13.32.
Variant type: single nucleotide variant.
Coding change: c.499G>C on transcript NM_000400.4 (MANE Select); coding-DNA position 499, G replaced by C.
Protein change: p.Glu167Gln; replaces glutamic acid 167 with glutamine.
Molecular consequence: missense variant.
Genome position (GRCh38, 1-based): chr19:45,364,933, C>G on the plus strand (G>C on the coding strand, the complement: ERCC2 is on the minus strand). VCF-style: chr19-45364933-C-G. GRCh37 (hg19) VCF-style: chr19-45868191-C-G.
Other names: c.427G>C, p.Glu143Gln (NM_001130867.2); short protein forms E143Q, E167Q.
Identifiers: ClinVar variation 1320637 (VCV001320637.5), dbSNP rs367829012, ClinGen allele CA9513760.